The following is an entry in ClinVar:

ClinVar aggregate classification (germline): Likely benign. Review status: criteria provided, multiple submitters, no conflicts (2 of 4 stars). 3 submissions from 3 submitters: Likely benign (2). 1 of the submissions does not count toward it. Last evaluated 2025-10-25.

Conditions:
SPART-related disorder. Also called: SPART-related condition.

Allele frequency attached by ClinVar (database versions not stated): gnomAD 0.00175; 1000 Genomes Project 0.00180; 1000 Genomes Project 30x 0.00187; ESP Exome Variant Server 0.00200.
gnomAD v4.1: 521 of 1,614,050 alleles (0.032%); highest among the groups gnomAD compares: African/African-American, 0.6%; 1 homozygote.

Submissions (3):

Labcorp Genetics (formerly Invitae), Labcorp
Classification: Likely benign. Last evaluated: 2025-10-25. Review status: criteria provided, single submitter. Criteria: Invitae Variant Classification Sherloc (09022015). Collection method: clinical testing. Allele origin: germline.

Breakthrough Genomics
Classification: Likely benign. Review status: criteria provided, single submitter. Criteria: ACMG Guidelines, 2015. Collection method: not provided. Allele origin: germline. Inheritance: Autosomal recessive inheritance. Affected: yes.

PreventionGenetics, part of Exact Sciences
Classification: Likely benign for SPART-related condition. Last evaluated: 2022-07-20. Review status: no assertion criteria provided. Collection method: clinical testing. Allele origin: germline. Not counted in ClinVar's aggregate classification.
Comment: This variant is classified as likely benign based on ACMG/AMP sequence variant interpretation guidelines (Richards et al. 2015 PMID: 25741868, with internal and published modifications).

NM_015087.5(SPART):c.1795G>T (p.Val599Leu)

Gene: SPART (spartin; minus strand). Cytogenetic location: 13q13.3.
Variant type: single nucleotide variant.
Coding change: c.1795G>T on transcript NM_015087.5 (MANE Select); coding-DNA position 1795, G replaced by T.
Protein change: p.Val599Leu; replaces valine 599 with leucine.
Molecular consequence: missense variant.
Genome position (GRCh38, 1-based): chr13:36,304,571, C>A on the plus strand (G>T on the coding strand, the complement: SPART is on the minus strand). VCF-style: chr13-36304571-C-A. GRCh37 (hg19) VCF-style: chr13-36878708-C-A.
Other names: c.1795G>T, p.Val599Leu (NM_001142294.2, NM_001142295.2, NM_001142296.2); short protein forms V599L.
Identifiers: ClinVar variation 696210 (VCV000696210.13), dbSNP rs150163770, ClinGen allele CA6949277.